The following is an entry in ClinVar:

ClinVar aggregate classification (germline): Uncertain significance (1 of 4 stars; one submission).

Conditions:
Hereditary sensory and autonomic neuropathy type 6. Also called: Neuropathy, hereditary sensory and autonomic, type VI; HSAN VI. Identifiers: Orphanet 314381, MedGen C3539003, MONDO:0013839, OMIM 614653.
Epidermolysis bullosa simplex 3, localized or generalized intermediate, with BP230 deficiency (EBS3). Also called: Epidermolysis bullosa simplex due to BP230 deficiency; Epidermolysis bullosa simplex, autosomal recessive 2. Identifiers: Orphanet 412181, MedGen C3809470, MONDO:0014180, OMIM 615425.

gnomAD v4.1: 8 of 1,612,704 alleles (0.0005%); highest among the groups gnomAD compares: Non-Finnish European, 0.00068%; no homozygotes.

Submission:

Labcorp Genetics (formerly Invitae), Labcorp
Classification: Uncertain significance for Epidermolysis bullosa simplex 3, localized or generalized intermediate, with BP230 deficiency; Hereditary sensory and autonomic neuropathy type 6. Last evaluated: 2022-04-09. Review status: criteria provided, single submitter. Criteria: Invitae Variant Classification Sherloc (09022015). Collection method: clinical testing. Allele origin: germline.
Comment: The DST gene has multiple clinically relevant transcripts. This variant occurs in alternate transcript NM_015548.4, and corresponds to NM_001723.5:c.*114361C>A in the primary transcript. This sequence change replaces threonine, which is neutral and polar, with asparagine, which is neutral and polar, at codon 3984 of the DST protein (p.Thr3984Asn). This variant is not present in population databases (gnomAD no frequency). This variant has not been reported in the literature in individuals affected with DST-related conditions. Experimental studies and prediction algorithms are not available or were not evaluated, and the functional significance of this variant is currently unknown. In summary, the available evidence is currently insufficient to determine the role of this variant in disease. Therefore, it has been classified as a Variant of Uncertain Significance.

NM_001374736.1(DST):c.19820C>A (p.Thr6607Asn)

Gene: DST (dystonin; minus strand). Cytogenetic location: 6p12.1.
Variant type: single nucleotide variant.
Coding change: c.19820C>A on transcript NM_001374736.1 (MANE Select); coding-DNA position 19820, C replaced by A.
Protein change: p.Thr6607Asn; replaces threonine 6607 with asparagine.
Molecular consequence: missense variant.
Genome position (GRCh38, 1-based): chr6:56,501,156, G>T on the plus strand (C>A on the coding strand, the complement: DST is on the minus strand). VCF-style: chr6-56501156-G-T. GRCh37 (hg19) VCF-style: chr6-56365954-G-T.
Other names: c.13463C>A, p.Thr4488Asn (NM_001144769.5); c.13049C>A, p.Thr4350Asn (NM_001144770.2); c.19820C>A, p.Thr6607Asn (NM_001374722.1); c.18860C>A, p.Thr6287Asn (NM_001374729.1); c.12602C>A, p.Thr4201Asn (NM_001374730.1); c.19847C>A, p.Thr6616Asn (NM_001374734.1); c.12929C>A, p.Thr4310Asn (NM_001386100.1, NM_183380.4); c.11951C>A, p.Thr3984Asn (NM_015548.5); short protein forms T4350N, T6607N, T4488N, T6287N, T6616N, T4201N, T4310N, T3984N.
Identifiers: ClinVar variation 1895584 (VCV001895584.2), dbSNP rs911141337, ClinGen allele CA139193069.